The following is an entry in ClinVar:

NM_006929.5(SKIC2):c.400C>G (p.Leu134Val)

Gene: SKIC2 (SKI2 subunit of superkiller complex; plus strand). Cytogenetic location: 6p21.33.
Variant type: single nucleotide variant.
Coding change: c.400C>G on transcript NM_006929.5 (MANE Select); coding-DNA position 400, C replaced by G.
Protein change: p.Leu134Val; replaces leucine 134 with valine.
Molecular consequence: missense variant.
Genome position (GRCh38, 1-based): chr6:31,960,477, C>G. VCF-style: chr6-31960477-C-G. GRCh37 (hg19) VCF-style: chr6-31928254-C-G.
Other names: short protein forms L134V.
Identifiers: ClinVar variation 1365374 (VCV001365374.6), dbSNP rs141819862, ClinGen allele CA3729140.

ClinVar aggregate classification (germline): Conflicting classifications of pathogenicity. Review status: criteria provided, conflicting classifications (1 of 4 stars). 2 submissions from 2 submitters: Uncertain significance (1); Likely benign (1). Last evaluated 2026-04-01.

Allele frequency attached by ClinVar (database versions not stated): gnomAD 0.00016; ExAC 0.00024; ESP Exome Variant Server 0.00031.
gnomAD v4.1: 294 of 1,614,096 alleles (0.018%); highest among the groups gnomAD compares: Middle Eastern, 0.18%; 1 homozygote.

Submissions (2):

CeGaT Center for Human Genetics Tuebingen
Classification: Likely benign. Last evaluated: 2026-04-01. Review status: criteria provided, single submitter. Criteria: CeGaT Center For Human Genetics Tuebingen Variant Classification Criteria Version 2. Collection method: clinical testing. Allele origin: germline. Affected: yes. Observed: 1 variant allele.
Comment: SKIC2: BP4

Labcorp Genetics (formerly Invitae), Labcorp
Classification: Uncertain significance. Last evaluated: 2025-01-20. Review status: criteria provided, single submitter. Criteria: Invitae Variant Classification Sherloc (09022015). Collection method: clinical testing. Allele origin: germline.
Comment: This sequence change replaces leucine, which is neutral and non-polar, with valine, which is neutral and non-polar, at codon 134 of the SKIV2L protein (p.Leu134Val). This variant is present in population databases (rs141819862, gnomAD 0.04%). This variant has not been reported in the literature in individuals affected with SKIV2L-related conditions. ClinVar contains an entry for this variant (Variation ID: 1365374). An algorithm developed to predict the effect of missense changes on protein structure and function (PolyPhen-2) suggests that this variant is likely to be disruptive. In summary, the available evidence is currently insufficient to determine the role of this variant in disease. Therefore, it has been classified as a Variant of Uncertain Significance.